The following is an entry in ClinVar:

ClinVar aggregate classification (germline): Uncertain significance. Review status: criteria provided, multiple submitters, no conflicts (2 of 4 stars). 3 submissions from 3 submitters: Uncertain significance (3). Last evaluated 2025-10-01.

Conditions:
Neuronal ceroid lipofuscinosis 11. Also called: GRN-Related Neuronal Ceroid-Lipofuscinosis. Identifiers: Orphanet 314629, Orphanet 79262, MedGen C3539123, MONDO:0013866, OMIM 614706.
GRN-related frontotemporal lobar degeneration with Tdp43 inclusions (FTD2). Also called: GRN Frontotemporal Dementia; FRONTOTEMPORAL DEMENTIA WITH TDP43 INCLUSIONS, GRN-RELATED; DEMENTIA, HEREDITARY DYSPHASIC DISINHIBITION; FRONTOTEMPORAL LOBAR DEGENERATION WITH UBIQUITIN-POSITIVE INCLUSIONS; FTLD-TDP, GRN-RELATED. Identifiers: Orphanet 100070, Orphanet 282, MedGen C1843792, MONDO:0011842, OMIM 607485. Disease mechanism: loss of function.
Inborn genetic diseases. Identifiers: MedGen C0950123, MeSH D030342.

Allele frequency attached by ClinVar (database versions not stated): TOPMed 0.00003; gnomAD exomes 0.00004 and 0.00011; gnomAD 0.00005; ExAC 0.00006; ESP Exome Variant Server 0.00015; 1000 Genomes Project 0.00020; 1000 Genomes Project 30x 0.00031.
gnomAD v4.1: 163 of 1,613,994 alleles (0.01%); highest among the groups gnomAD compares: Non-Finnish European, 0.013%; no homozygotes.

Submissions (3):

CeGaT Center for Human Genetics Tuebingen
Classification: Uncertain significance. Last evaluated: 2025-10-01. Review status: criteria provided, single submitter. Criteria: CeGaT Center For Human Genetics Tuebingen Variant Classification Criteria Version 2. Collection method: clinical testing. Allele origin: germline. Affected: yes. Observed: 1 variant allele.
Comment: GRN: PM2, BP4

Labcorp Genetics (formerly Invitae), Labcorp
Classification: Uncertain significance for Neuronal ceroid lipofuscinosis 11; GRN-related frontotemporal lobar degeneration with Tdp43 inclusions. Last evaluated: 2025-01-27. Review status: criteria provided, single submitter. Criteria: Invitae Variant Classification Sherloc (09022015). Collection method: clinical testing. Allele origin: germline.
Comment: This sequence change replaces arginine, which is basic and polar, with tryptophan, which is neutral and slightly polar, at codon 212 of the GRN protein (p.Arg212Trp). This variant is present in population databases (rs139375860, gnomAD 0.01%). This missense change has been observed in individual(s) with frontotemporal dementia (PMID: 20142524). ClinVar contains an entry for this variant (Variation ID: 588484). Invitae Evidence Modeling of protein sequence and biophysical properties (such as structural, functional, and spatial information, amino acid conservation, physicochemical variation, residue mobility, and thermodynamic stability) indicates that this missense variant is not expected to disrupt GRN protein function with a negative predictive value of 80%. In summary, the available evidence is currently insufficient to determine the role of this variant in disease. Therefore, it has been classified as a Variant of Uncertain Significance.

Ambry Genetics
Classification: Uncertain significance for Inborn genetic diseases. Last evaluated: 2016-11-29. Review status: criteria provided, single submitter. Criteria: Ambry Variant Classification Scheme 2023. Collection method: clinical testing. Allele origin: germline.
Comment: The p.R212W variant (also known as c.634C>T), located in coding exon 6 of the GRN gene, results from a C to T substitution at nucleotide position 634. The arginine at codon 212 is replaced by tryptophan, an amino acid with dissimilar properties. In one study, this alteration was identified in one unaffected control and in a individual with frontotemporal dementia (FTD) (Yu CE et al. Arch. Neurol., 2010 Feb;67:161-70). This amino acid position is not well conserved in available vertebrate species. In addition, this alteration is predicted to be tolerated by in silico analysis. Since supporting evidence is limited at this time, the clinical significance of this variant remains unclear.

Literature cited by the submitters: PubMed 20142524 (cited by Labcorp Genetics (formerly Invitae), Labcorp and Ambry Genetics).

NM_002087.4(GRN):c.634C>T (p.Arg212Trp)

Gene: GRN (granulin precursor; plus strand). Cytogenetic location: 17q21.31.
Variant type: single nucleotide variant.
Coding change: c.634C>T on transcript NM_002087.4 (MANE Select); coding-DNA position 634, C replaced by T.
Protein change: p.Arg212Trp; replaces arginine 212 with tryptophan.
Molecular consequence: missense variant.
Genome position (GRCh38, 1-based): chr17:44,350,726, C>T. VCF-style: chr17-44350726-C-T. GRCh37 (hg19) VCF-style: chr17-42428094-C-T.
Other names: short protein forms R212W.
Identifiers: ClinVar variation 588484 (VCV000588484.20), dbSNP rs139375860, ClinGen allele CA8601962.